The following is an entry in ClinVar:

ClinVar aggregate classification (germline): Uncertain significance (1 of 4 stars; one submission).

Conditions:
Neurofibromatosis, type 1 (NF1). Also called: VON RECKLINGHAUSEN DISEASE; Peripheral type neurofibromatosis; NEUROFIBROMATOSIS, TYPE I, SOMATIC; Neurofibromatosis, type I. Identifiers: Orphanet 636, MedGen C0027831, MONDO:0018975, OMIM 162200. Disease mechanism: loss of function.

Submission:

Labcorp Genetics (formerly Invitae), Labcorp
Classification: Uncertain significance for Neurofibromatosis, type 1. Last evaluated: 2024-07-15. Review status: criteria provided, single submitter. Criteria: Invitae Variant Classification Sherloc (09022015). Collection method: clinical testing. Allele origin: germline.
Comment: This sequence change replaces proline, which is neutral and non-polar, with alanine, which is neutral and non-polar, at codon 2771 of the NF1 protein (p.Pro2771Ala). This variant is not present in population databases (gnomAD no frequency). This variant has not been reported in the literature in individuals affected with NF1-related conditions. Advanced modeling of protein sequence and biophysical properties (such as structural, functional, and spatial information, amino acid conservation, physicochemical variation, residue mobility, and thermodynamic stability) has been performed at Invitae for this missense variant, however the output from this modeling did not meet the statistical confidence thresholds required to predict the impact of this variant on NF1 protein function. In summary, the available evidence is currently insufficient to determine the role of this variant in disease. Therefore, it has been classified as a Variant of Uncertain Significance.

NM_001042492.3(NF1):c.8374C>G (p.Pro2792Ala)

Gene: NF1 (neurofibromin 1; plus strand). Cytogenetic location: 17q11.2.
Variant type: single nucleotide variant.
Coding change: c.8374C>G on transcript NM_001042492.3 (MANE Select); coding-DNA position 8374, C replaced by G.
Protein change: p.Pro2792Ala; replaces proline 2792 with alanine.
Molecular consequence: missense variant.
Genome position (GRCh38, 1-based): chr17:31,360,700, C>G. VCF-style: chr17-31360700-C-G. GRCh37 (hg19) VCF-style: chr17-29687718-C-G.
Other names: c.8311C>G, p.Pro2771Ala (NM_000267.4); short protein forms P2771A, P2792A.
Identifiers: ClinVar variation 3634615 (VCV003634615.2).